The following is an entry in ClinVar:

NM_025144.4(ALPK1):c.374G>T (p.Gly125Val)

Gene: ALPK1 (alpha kinase 1; plus strand). Cytogenetic location: 4q25.
Variant type: single nucleotide variant.
Coding change: c.374G>T on transcript NM_025144.4 (MANE Select); coding-DNA position 374, G replaced by T.
Protein change: p.Gly125Val; replaces glycine 125 with valine.
Molecular consequence: missense variant.
Genome position (GRCh38, 1-based): chr4:112,411,924, G>T. VCF-style: chr4-112411924-G-T. GRCh37 (hg19) VCF-style: chr4-113333080-G-T.
Other names: c.374G>T, p.Gly125Val (NM_001102406.2); c.140G>T, p.Gly47Val (NM_001253884.2); short protein forms G125V, G47V.
Identifiers: ClinVar variation 2414839 (VCV002414839.6), dbSNP rs942090186, ClinGen allele CA104427079.

ClinVar aggregate classification (germline): Uncertain significance (1 of 4 stars; one submission).

Allele frequency attached by ClinVar (database versions not stated): gnomAD exomes below 0.00001; gnomAD 0.00001; TOPMed 0.00001.
gnomAD v4.1: 3 of 1,614,038 alleles (0.00019%); highest among the groups gnomAD compares: Non-Finnish European, 0.00025%; no homozygotes.

Submission:

Labcorp Genetics (formerly Invitae), Labcorp
Classification: Uncertain significance. Last evaluated: 2025-10-10. Review status: criteria provided, single submitter. Criteria: Invitae Variant Classification Sherloc (09022015). Collection method: clinical testing. Allele origin: germline.
Comment: This sequence change replaces glycine, which is neutral and non-polar, with valine, which is neutral and non-polar, at codon 125 of the ALPK1 protein (p.Gly125Val). This variant is present in population databases (no rsID available, gnomAD 0.002%). This variant has not been reported in the literature in individuals affected with ALPK1-related conditions. ClinVar contains an entry for this variant (Variation ID: 2414839). Invitae Evidence Modeling of protein sequence and biophysical properties (such as structural, functional, and spatial information, amino acid conservation, physicochemical variation, residue mobility, and thermodynamic stability) indicates that this missense variant is not expected to disrupt ALPK1 protein function with a negative predictive value of 80%. In summary, the available evidence is currently insufficient to determine the role of this variant in disease. Therefore, it has been classified as a Variant of Uncertain Significance.